The following is an entry in ClinVar:

ClinVar aggregate classification (germline): Likely benign. Review status: criteria provided, single submitter (1 of 4 stars). 2 submissions from 2 submitters: Likely benign (1). 1 of the submissions does not count toward it. Last evaluated 2024-10-09.

Conditions:
TNIK-related disorder. Also called: TNIK-related condition.

Allele frequency attached by ClinVar (database versions not stated): ExAC 0.00036; ESP Exome Variant Server 0.00042; 1000 Genomes Project 0.00060; 1000 Genomes Project 30x 0.00062.
gnomAD v4.1: 311 of 1,529,118 alleles (0.02%); highest among the groups gnomAD compares: African/African-American, 0.38%; 2 homozygotes.

Submissions (2):

Blueprint Genetics
Classification: Likely benign. Last evaluated: 2024-10-09. Review status: criteria provided, single submitter. Criteria: ACMG Guidelines, 2015. Collection method: clinical testing. Allele origin: germline.

PreventionGenetics, part of Exact Sciences
Classification: Likely benign for TNIK-related condition. Last evaluated: 2022-08-02. Review status: no assertion criteria provided. Collection method: clinical testing. Allele origin: germline. Not counted in ClinVar's aggregate classification.
Comment: This variant is classified as likely benign based on ACMG/AMP sequence variant interpretation guidelines (Richards et al. 2015 PMID: 25741868, with internal and published modifications).

NM_015028.4(TNIK):c.2285-8T>C

Gene: TNIK (TRAF2 and NCK interacting kinase; minus strand). Cytogenetic location: 3q26.2.
Variant type: single nucleotide variant.
Coding change: c.2285-8T>C on transcript NM_015028.4 (MANE Select); 8 bases into the intron before coding-DNA position 2285, T replaced by C.
Molecular consequence: intron variant.
Genome position (GRCh38, 1-based): chr3:171,108,170, A>G on the plus strand (T>C on the coding strand, the complement: TNIK is on the minus strand). VCF-style: chr3-171108170-A-G. GRCh37 (hg19) VCF-style: chr3-170825959-A-G.
Other names: c.2033-8T>C (NM_001161566.3, NM_001161565.3); c.2198-8T>C (NM_001161562.3, NM_001161561.3); c.2120-8T>C (NM_001161564.3, NM_001161563.3); c.2285-8T>C (NM_001161560.3).
Identifiers: ClinVar variation 3051400 (VCV003051400.3), dbSNP rs199741418, ClinGen allele CA2703295.